The following is an entry in ClinVar:

NM_152564.5(VPS13B):c.259del (p.Glu87fs)

Gene: VPS13B (vacuolar protein sorting 13 homolog B; plus strand). Cytogenetic location: 8q22.2.
Variant type: Deletion.
Coding change: c.259del on transcript NM_152564.5 (MANE Select); coding-DNA position 259, one base deleted (G; older notation c.259delG).
Protein change: p.Glu87fs; shifts the reading frame from glutamic acid 87.
Molecular consequence: frameshift variant. On other transcripts: non-coding transcript variant (1).
Genome position (GRCh38, 1-based): chr8:99,038,534, G deleted; the last of 2 consecutive G bases (chr8:99,038,533-99,038,534); deleting either gives the same sequence. VCF-style (leftmost placement, unchanged base first): chr8-99038532-TG-T. GRCh37 (hg19) VCF-style: chr8-100050760-TG-T.
Other names: c.259del, p.Glu87fs (NM_015243.3, NM_017890.5, NM_181661.3); short protein forms E87fs.
Identifiers: ClinVar variation 1805247 (VCV001805247.4), dbSNP rs2488267977, ClinGen allele CA2573050754.
Genomic context (GRCh38, chr8:99,038,532, plus strand): 5'-GGATTCATGTACCATGGACAAAACTGGGTTCAGAACCAGTGGTAATTACCATCAATACTA[TG>T]GAATGCATTTTGAAACTTAAGGATGGGATACAGGTAAGAAATTATTGAACCAAGTTGTTT-3'

ClinVar aggregate classification (germline): Pathogenic. Review status: criteria provided, multiple submitters, no conflicts (2 of 4 stars). 2 submissions from 2 submitters: Pathogenic (2). Last evaluated 2023-08-07.

Conditions:
Cohen syndrome (COH1). Also called: Cutis verticis gyrata, retinitis pigmentosa, and sensorineural deafness; PEPPER SYNDROME. Identifiers: Orphanet 193, MedGen C0265223, MONDO:0008999, OMIM 216550.

Submissions (2):

Labcorp Genetics (formerly Invitae), Labcorp
Classification: Pathogenic for Cohen syndrome. Last evaluated: 2023-08-07. Review status: criteria provided, single submitter. Criteria: Invitae Variant Classification Sherloc (09022015). Collection method: clinical testing. Allele origin: germline.
Comment: For these reasons, this variant has been classified as Pathogenic. ClinVar contains an entry for this variant (Variation ID: 1805247). This variant has not been reported in the literature in individuals affected with VPS13B-related conditions. This variant is not present in population databases (gnomAD no frequency). This sequence change creates a premature translational stop signal (p.Glu87Asnfs*4) in the VPS13B gene. It is expected to result in an absent or disrupted protein product. Loss-of-function variants in VPS13B are known to be pathogenic (PMID: 15141358, 16648375, 20461111).

Victorian Clinical Genetics Services, Murdoch Childrens Research Institute
Classification: Pathogenic for Cohen syndrome. Last evaluated: 2022-02-02. Review status: criteria provided, single submitter. Criteria: ACMG Guidelines, 2015. Collection method: clinical testing. Allele origin: germline. Inheritance: Autosomal recessive inheritance.
Comment: Based on the classification scheme VCGS_Germline_v1.3.4, this variant is classified as Pathogenic. Following criteria are met: 0102 - Loss of function is a known mechanism of disease in this gene and is associated with Cohen syndrome (MIM#216550). (I) 0106 - This gene is associated with autosomal recessive disease. (I) 0201 - Variant is predicted to cause nonsense-mediated decay (NMD) and loss of protein (premature termination codon is located at least 54 nucleotides upstream of the final exon-exon junction). (SP) 0251 - This variant is heterozygous. (I) 0301 - Variant is absent from gnomAD (both v2 and v3). (SP) 0701 - Other NMD-predicted variants comparable to the one identified in this case have very strong previous evidence for pathogenicity (ClinVar). (SP) 0807 - This variant has no previous evidence of pathogenicity. (I) 0905 - No published segregation evidence has been identified for this variant. (I) 1007 - No published functional evidence has been identified for this variant. (I) 1102 - Strong phenotype match for this individual. (I) Legend: (SP) - Supporting pathogenic, (I) - Information, (SB) - Supporting benign

Literature cited by the submitters: PubMed 15141358 (cited by Labcorp Genetics (formerly Invitae), Labcorp); PubMed 16648375 (cited by Labcorp Genetics (formerly Invitae), Labcorp); PubMed 20461111 (cited by Labcorp Genetics (formerly Invitae), Labcorp).